The following is an entry in ClinVar:

ClinVar aggregate classification (germline): Likely pathogenic (1 of 4 stars; one submission).

Conditions:
Usher syndrome type 2A. Also called: RETINAL DISEASE IN USHER SYNDROME TYPE IIA, MODIFIER OF; USHER SYNDROME, TYPE IIA. Identifiers: Orphanet 231178, Orphanet 886, MedGen C1848634, MONDO:0010169, OMIM 276901.

Submission:

Natera, Inc.
Classification: Likely pathogenic for Usher syndrome type 2A. Last evaluated: 2025-02-06. Review status: criteria provided, single submitter. Criteria: Natera Variant Classification Schema (03/2026). Collection method: clinical testing. Allele origin: germline.
Comment: The c.13921G>T variant in USH2A is a nonsense variant predicted to introduce a stop codon at amino acid 4641. This variant is expected to result in nonsense mediated decay, truncation, or a dysfunctional protein product. This variant is rare in the general population with a frequency below the threshold expected for the associated phenotype(s). Given the available evidence, this variant is classified as Likely Pathogenic.

NM_206933.4(USH2A):c.13921G>T (p.Glu4641Ter)

Gene: USH2A (usherin; minus strand). Cytogenetic location: 1q41.
Variant type: single nucleotide variant.
Coding change: c.13921G>T on transcript NM_206933.4 (MANE Select); coding-DNA position 13921, G replaced by T.
Protein change: p.Glu4641Ter; replaces glutamic acid 4641 with a stop codon.
Molecular consequence: nonsense.
Genome position (GRCh38, 1-based): chr1:215,671,184, C>A on the plus strand (G>T on the coding strand, the complement: USH2A is on the minus strand). VCF-style: chr1-215671184-C-A. GRCh37 (hg19) VCF-style: chr1-215844526-C-A.
Other names: short protein forms E4641*.
Identifiers: ClinVar variation 4062815 (VCV004062815.2).